The following is an entry in ClinVar:

NC_000006.11:g.(65767621_66005755)_(66094394_66112370)del

Gene: EYS (EGF-like photoreceptor maintenance factor; minus strand). Cytogenetic location: 6q12.
Variant type: Deletion.
Identifiers: ClinVar variation 4848100 (VCV004848100.1).

ClinVar aggregate classification (germline): Pathogenic (1 of 4 stars; one submission).

Conditions:
Retinitis pigmentosa (RP). Identifiers: Orphanet 791, MedGen C0035334, MeSH D012174, MONDO:0019200, OMIM 268000. Inheritance: Autosomal dominant, autosomal recessive and X linked inheritance.

Submission:

Women's Health and Genetics/Laboratory Corporation of America, LabCorp
Classification: Pathogenic for Retinitis pigmentosa. Last evaluated: 2026-02-03. Review status: criteria provided, single submitter. Criteria: LabCorp Variant Classification Summary - May 2015. Collection method: clinical testing. Allele origin: germline.
Comment: Variant summary: The variant involves the deletion of exons 8-12 in the EYS gene. A presumed nomenclature of c.(1184+1_1185-1)_(2023+1_2024-1)del has been designated for the purposes of this classification. This Copy Number Variant (CNV) is expected to alter the reading frame and predicted to result in a truncation or absence of the encoded protein due to nonsense mediated decay (NMD). Loss-of-function variants in this gene are known to be pathogenic. The variant was absent in 21694 control chromosomes. To our knowledge, no occurrence of c.(1184+1_1185-1)_(2023+1_2024-1)del in individuals affected with EYS-related conditions and no experimental evidence demonstrating its impact on protein function have been reported. ClinVar contains an entry for this variant (Variation ID: 833149). Based on the evidence outlined above, the variant was classified as pathogenic.